The following is an entry in ClinVar:

NM_004369.4(COL6A3):c.4615G>A (p.Gly1539Arg)

Gene: COL6A3 (collagen type VI alpha 3 chain; minus strand). Cytogenetic location: 2q37.3.
Variant type: single nucleotide variant.
Coding change: c.4615G>A on transcript NM_004369.4 (MANE Select); coding-DNA position 4615, G replaced by A.
Protein change: p.Gly1539Arg; replaces glycine 1539 with arginine.
Molecular consequence: missense variant.
Genome position (GRCh38, 1-based): chr2:237,368,848, C>T on the plus strand (G>A on the coding strand, the complement: COL6A3 is on the minus strand). VCF-style: chr2-237368848-C-T. GRCh37 (hg19) VCF-style: chr2-238277491-C-T.
Other names: c.2794G>A, p.Gly932Arg (NM_057166.5); c.3997G>A, p.Gly1333Arg (NM_057167.4); short protein forms G1333R, G1539R, G932R.
Identifiers: ClinVar variation 1988475 (VCV001988475.26), dbSNP rs762767186, ClinGen allele CA67816437.

ClinVar aggregate classification (germline): Conflicting classifications of pathogenicity. Review status: criteria provided, conflicting classifications (1 of 4 stars). 2 submissions from 2 submitters: Uncertain significance (1); Likely benign (1). Last evaluated 2025-03-24.

Conditions:
Bethlem myopathy 1A. Also called: MYOPATHY, BENIGN CONGENITAL, WITH CONTRACTURES; Bethlem Muscular Dystrophy; Bethlem myopathy 1. Identifiers: Orphanet 610, MedGen CN029274, MONDO:0024530, OMIM 158810.

Allele frequency attached by ClinVar (database versions not stated): gnomAD 0.00001; gnomAD exomes 0.00001; TOPMed 0.00003.

Submissions (2):

Labcorp Genetics (formerly Invitae), Labcorp
Classification: Likely benign for Bethlem myopathy 1A. Last evaluated: 2025-03-24. Review status: criteria provided, single submitter. Criteria: Invitae Variant Classification Sherloc (09022015). Collection method: clinical testing. Allele origin: germline.

CeGaT Center for Human Genetics Tuebingen
Classification: Uncertain significance. Last evaluated: 2023-05-01. Review status: criteria provided, single submitter. Criteria: CeGaT Center For Human Genetics Tuebingen Variant Classification Criteria Version 2. Collection method: clinical testing. Allele origin: germline. Affected: yes. Observed: 1 variant allele.
Comment: COL6A3: PM2